The following is an entry in ClinVar:

ClinVar aggregate classification (germline): Uncertain significance (1 of 4 stars; one submission).

Conditions:
3-methylglutaconic aciduria, type VIIB (MGCA7B). Also called: CLPB Deficiency; 3-methylglutaconic aciduria, type VII, with cataracts, neurologic involvement and neutropenia; 3-methylglutaconic aciduria with cataracts, neurologic involvement and neutropenia. Identifiers: Orphanet 445038, MedGen C5676893, MONDO:0014561, OMIM 616271.

Allele frequency attached by ClinVar (database versions not stated): ExAC 0.00001.
gnomAD v4.1: 1 of 1,614,138 alleles (0.000062%); highest among the groups gnomAD compares: Admixed American, 0.0017%; no homozygotes.

Submissions (3):

Labcorp Genetics (formerly Invitae), Labcorp
Classification: Uncertain significance for 3-methylglutaconic aciduria, type VIIB. Last evaluated: 2022-06-17. Review status: criteria provided, single submitter. Criteria: Invitae Variant Classification Sherloc (09022015). Collection method: clinical testing. Allele origin: germline.
Comment: In summary, the available evidence is currently insufficient to determine the role of this variant in disease. Therefore, it has been classified as a Variant of Uncertain Significance. Variants that disrupt the consensus splice site are a relatively common cause of aberrant splicing (PMID: 17576681, 9536098). Algorithms developed to predict the effect of sequence changes on RNA splicing suggest that this variant may disrupt the consensus splice site. This variant has not been reported in the literature in individuals affected with CLPB-related conditions. This variant is present in population databases (rs764474532, gnomAD 0.003%). This sequence change falls in intron 10 of the CLPB gene. It does not directly change the encoded amino acid sequence of the CLPB protein. It affects a nucleotide within the consensus splice site.

Dr. Peter K. Rogan Lab, Western University
No classification provided (evidence only). Condition: Ovarian serous cystadenocarcinoma. Review status: no classification provided. Collection method: in vitro. Allele origin: not applicable. Functional consequence: retained intron. Not counted in ClinVar's aggregate classification.

Dr. Peter K. Rogan Lab, Western University
No classification provided (evidence only). Condition: Ovarian serous cystadenocarcinoma. Review status: no classification provided. Collection method: in vitro. Allele origin: not applicable. Functional consequence: retained intron. Not counted in ClinVar's aggregate classification.

Literature cited by the submitters: PubMed 17576681 (cited by Labcorp Genetics (formerly Invitae), Labcorp); PubMed 9536098 (cited by Labcorp Genetics (formerly Invitae), Labcorp).

NM_001258392.3(CLPB):c.1123-3C>A

Genes: CLPB (ClpB family mitochondrial disaggregase; minus strand), LOC126861258 (MED14-independent group 3 enhancer GRCh37_chr11:72012242-72013441; plus strand). Cytogenetic location: 11q13.4.
Variant type: single nucleotide variant.
Coding change: c.1123-3C>A on transcript NM_001258392.3 (MANE Select); 3 bases into the intron before coding-DNA position 1123, C replaced by A.
Molecular consequence: intron variant.
Genome position (GRCh38, 1-based): chr11:72,302,351, G>T on the plus strand (C>A on the coding strand, the complement: CLPB is on the minus strand). VCF-style: chr11-72302351-G-T. GRCh37 (hg19) VCF-style: chr11-72013395-G-T.
Other names: c.1036-3C>A (NM_001258393.3); c.1213-3C>A (NM_030813.6); c.1078-3C>A (NM_001258394.3).
Identifiers: ClinVar variation 2116552 (VCV002116552.5), dbSNP rs764474532, ClinGen allele CA6171255.
Genomic context (GRCh38, chr11:72,302,351, plus strand): 5'-TGTCATCACTCACCTCGTGTCGCTCCTGGAACTCGGACATGTCCAGCCTGATGAAGCCCT[G>T]TGTGGAAACAAGCAAGTACCAACTCCGTTTGGAGGCAGGAAAGTGAAGAGAAGGGTTAGG-3'